The following is an entry in ClinVar:

ClinVar aggregate classification (germline): Uncertain significance (1 of 4 stars; one submission).

Conditions:
Gorlin syndrome. Also called: Nevoid Basal Cell Carcinoma Syndrome; Basal cell nevus syndrome. Identifiers: Orphanet 377, MedGen C0004779, MONDO:0007187.

Submission:

Labcorp Genetics (formerly Invitae), Labcorp
Classification: Uncertain significance for Gorlin syndrome. Last evaluated: 2023-09-25. Review status: criteria provided, single submitter. Criteria: Invitae Variant Classification Sherloc (09022015). Collection method: clinical testing. Allele origin: germline.
Comment: In summary, the available evidence is currently insufficient to determine the role of this variant in disease. Therefore, it has been classified as a Variant of Uncertain Significance. Advanced modeling of protein sequence and biophysical properties (such as structural, functional, and spatial information, amino acid conservation, physicochemical variation, residue mobility, and thermodynamic stability) performed at Invitae indicates that this missense variant is expected to disrupt PTCH1 protein function. This variant has not been reported in the literature in individuals affected with PTCH1-related conditions. This variant is not present in population databases (gnomAD no frequency). This sequence change replaces glutamic acid, which is acidic and polar, with glycine, which is neutral and non-polar, at codon 139 of the PTCH1 protein (p.Glu139Gly).

NM_000264.5(PTCH1):c.416A>G (p.Glu139Gly)

Gene: PTCH1 (patched 1; minus strand). Cytogenetic location: 9q22.32.
Variant type: single nucleotide variant.
Coding change: c.416A>G on transcript NM_000264.5 (MANE Select); coding-DNA position 416, A replaced by G.
Protein change: p.Glu139Gly; replaces glutamic acid 139 with glycine.
Molecular consequence: missense variant. On other transcripts: 5 prime UTR variant (4), non-coding transcript variant (1).
Genome position (GRCh38, 1-based): chr9:95,485,853, T>C on the plus strand (A>G on the coding strand, the complement: PTCH1 is on the minus strand). VCF-style: chr9-95485853-T-C. GRCh37 (hg19) VCF-style: chr9-98248135-T-C.
Other names: c.218A>G, p.Glu73Gly (NM_001083602.3, NM_001354919.2); c.413A>G, p.Glu138Gly (NM_001083603.3); c.-38A>G (NM_001083604.3, NM_001083605.3, NM_001083606.3 and 1 more transcripts); c.416A>G, p.Glu139Gly (NM_001354918.2); short protein forms E138G, E139G, E73G.
Identifiers: ClinVar variation 2763181 (VCV002763181.3), dbSNP rs2118549984, ClinGen allele CA374117282.